The following is an entry in ClinVar:

ClinVar aggregate classification (germline): Uncertain significance. Review status: criteria provided, multiple submitters, no conflicts (2 of 4 stars). 2 submissions from 2 submitters: Uncertain significance (2). Last evaluated 2025-11-19.

Conditions:
ARHGAP24-related disorder. Also called: ARHGAP24-related condition.

Submissions (2):

PreventionGenetics, part of Exact Sciences
Classification: Uncertain significance for ARHGAP24-related condition. Last evaluated: 2025-11-19. Review status: criteria provided, single submitter. Criteria: ACMG Guidelines, 2015. Collection method: clinical testing. Allele origin: germline.
Comment: The ARHGAP24 c.1936A>G variant is predicted to result in the amino acid substitution p.Ser646Gly. To our knowledge, this variant has not been reported in the literature or in a large population database (gnomAD), indicating this variant is rare. At this time, the clinical significance of this variant is uncertain due to the absence of conclusive functional and genetic evidence.

Ambry Genetics
Classification: Uncertain significance. Last evaluated: 2025-04-19. Review status: criteria provided, single submitter. Criteria: Ambry Variant Classification Scheme 2023. Collection method: clinical testing. Allele origin: germline.

NM_001025616.3(ARHGAP24):c.1936A>G (p.Ser646Gly)

Gene: ARHGAP24 (Rho GTPase activating protein 24; plus strand). Cytogenetic location: 4q21.23.
Variant type: single nucleotide variant.
Coding change: c.1936A>G on transcript NM_001025616.3 (MANE Select); coding-DNA position 1936, A replaced by G.
Protein change: p.Ser646Gly; replaces serine 646 with glycine.
Molecular consequence: missense variant.
Genome position (GRCh38, 1-based): chr4:85,995,590, A>G. VCF-style: chr4-85995590-A-G. GRCh37 (hg19) VCF-style: chr4-86916743-A-G.
Other names: c.1651A>G, p.Ser551Gly (NM_001042669.2); c.1681A>G, p.Ser561Gly (NM_001287805.2); c.1357A>G, p.Ser453Gly (NM_001346093.2); c.1657A>G, p.Ser553Gly (NM_031305.3); short protein forms S551G, S646G, S553G, S561G, S453G.
Identifiers: ClinVar variation 3939430 (VCV003939430.2).